The following is an entry in ClinVar:

ClinVar aggregate classification (germline): Conflicting classifications of pathogenicity. Review status: criteria provided, conflicting classifications (1 of 4 stars). 10 submissions from 10 submitters: Uncertain significance (7); Likely benign (1). 2 of the submissions do not count toward it. Last evaluated 2026-04-24.

Conditions:
Hereditary cancer-predisposing syndrome. Also called: Hereditary neoplastic syndrome; Neoplastic Syndromes, Hereditary; Hereditary Cancer Syndrome; Tumor predisposition. Identifiers: Orphanet 140162, MedGen C0027672, MeSH D009386, MONDO:0015356.
Hereditary breast ovarian cancer syndrome. Also called: Hereditary breast and ovarian cancer syndrome (HBOC); Breast and ovarian cancer; Hereditary breast and ovarian cancer syndrome; BRCA1- and BRCA2-Associated Hereditary Breast and Ovarian Cancer; Hereditary breast and/or ovarian cancer syndrome; Hereditary breast and ovarian cancer. Identifiers: Orphanet 145, MedGen C0677776, MeSH D061325, MONDO:0003582. Disease mechanism: loss of function.
Breast-ovarian cancer, familial, susceptibility to, 2 (BROVCA2). Also called: BRCA2 Hereditary Breast and Ovarian Cancer. Identifiers: Orphanet 145, MedGen C2675520, MONDO:0012933, OMIM 612555. Disease mechanism: loss of function.

Submissions (10):

Women's Health and Genetics/Laboratory Corporation of America, LabCorp
Classification: Uncertain significance. Last evaluated: 2026-04-24. Review status: criteria provided, single submitter. Criteria: LabCorp Variant Classification Summary - May 2015. Collection method: clinical testing. Allele origin: germline.
Comment: Variant summary: BRCA2 c.8368A>T (p.Thr2790Ser) results in a conservative amino acid change located in the BRCA2, OB1 (IPR015187) of the encoded protein sequence. Algorithms developed to predict the effect of missense changes on protein structure and function all suggest that this variant is likely to be tolerated. The variant was absent in 251450 control chromosomes (gnomAD). The available data on variant occurrences in the general population are insufficient to allow any conclusion about variant significance. To our knowledge, no occurrence of c.8368A>T in individuals affected with BRCA2-related conditions and no experimental evidence demonstrating its impact on protein function have been reported. Co-occurrence with another pathogenic variant (BRCA2 c.8378G>A , p.Gly2793Glu) has been reported in 3 patients in the BIC database, providing supporting evidence for a benign role. The following publications have been ascertained in the context of this evaluation (PMID: 19043619, 22632462). ClinVar contains an entry for this variant (Variation ID: 52567). Based on the evidence outlined above, the variant was classified as VUS-possibly benign.

Labcorp Genetics (formerly Invitae), Labcorp
Classification: Uncertain significance for Hereditary breast ovarian cancer syndrome. Last evaluated: 2025-10-06. Review status: criteria provided, single submitter. Criteria: Invitae Variant Classification Sherloc (09022015). Collection method: clinical testing. Allele origin: germline.
Comment: This sequence change replaces threonine, which is neutral and polar, with serine, which is neutral and polar, at codon 2790 of the BRCA2 protein (p.Thr2790Ser). This variant is not present in population databases (gnomAD no frequency). This variant has not been reported in the literature in individuals affected with BRCA2-related conditions. ClinVar contains an entry for this variant (Variation ID: 52567). Invitae Evidence Modeling of protein sequence and biophysical properties (such as structural, functional, and spatial information, amino acid conservation, physicochemical variation, residue mobility, and thermodynamic stability) indicates that this missense variant is not expected to disrupt BRCA2 protein function with a negative predictive value of 95%. In summary, the available evidence is currently insufficient to determine the role of this variant in disease. Therefore, it has been classified as a Variant of Uncertain Significance.

Color Diagnostics, LLC DBA Color Health
Classification: Uncertain significance for Hereditary cancer-predisposing syndrome. Last evaluated: 2025-05-31. Review status: criteria provided, single submitter. Criteria: ACMG Guidelines, 2015. Collection method: clinical testing. Allele origin: germline.
Comment: This missense variant replaces threonine with serine at codon 2790 of the BRCA2 protein. Computational prediction suggests that this variant may not impact protein structure and function. TFunctional studies have reported that this variant does not impact BRCA2 function in a haploid cell proliferation assay and in sensitivity assays to cisplatin and PARP inhibitor (PMID: 39779848, 39779857). A multifactorial analysis has reported a likelihood ratio for pathogenicity based on personal and family history of 1.705 from log(LR)=0.2318 for one carrier (PMID: 31853058). This variant has not been identified in the general population by the Genome Aggregation Database (gnomAD). The available evidence is insufficient to determine the role of this variant in disease conclusively. Therefore, this variant is classified as a Variant of Uncertain Significance.

Quest Diagnostics Nichols Institute San Juan Capistrano
Classification: Uncertain significance. Last evaluated: 2025-02-22. Review status: criteria provided, single submitter. Criteria: Quest Diagnostics criteria. Collection method: clinical testing. Allele origin: unknown.
Comment: The BRCA2 c.8368A>T (p.Thr2790Ser) variant has been reported in the published literature in individuals with unspecific cancer (PMID: 31853058 (2020)). A functional study demonstrated that this variant had an inconclusive effect on protein function (PMID: 39779848 (2025)). This variant has not been reported in large, multi-ethnic general populations (Genome Aggregation Database). Analysis of this variant using bioinformatics tools for the prediction of the effect of amino acid changes on protein structure and function yielded predictions that this variant is benign. Based on the available information, we are unable to determine the clinical significance of this variant.

All of Us Research Program, National Institutes of Health
Classification: Uncertain significance for Breast-ovarian cancer, familial, susceptibility to, 2. Last evaluated: 2023-07-19. Review status: criteria provided, single submitter. Criteria: ACMG Guidelines, 2015. Collection method: clinical testing. Allele origin: germline. Inheritance: Autosomal dominant inheritance. Observed: 1 variant allele, 1 heterozygote.
Comment: This missense variant replaces threonine with serine at codon 2790 of the BRCA2 protein. Computational prediction suggests that this variant may not impact protein structure and function (internally defined REVEL score threshold <= 0.5, PMID: 27666373). To our knowledge, functional studies have not been reported for this variant. This variant has not been reported in individuals affected with hereditary cancer in the literature. This variant has not been identified in the general population by the Genome Aggregation Database (gnomAD). The available evidence is insufficient to determine the role of this variant in disease conclusively. Therefore, this variant is classified as a Variant of Uncertain Significance.

This study involves interpretation of variants in research participants for the purpose of population health screening. Participant phenotype was not available at the time of variant classification. Additional details can be found in publication PMID: 35346344, PMCID: PMC8962531

GeneDx
Classification: Uncertain significance. Last evaluated: 2023-01-31. Review status: criteria provided, single submitter. Criteria: GeneDx Variant Classification Process June 2021. Collection method: clinical testing. Allele origin: germline. Affected: yes.
Comment: Not observed at significant frequency in large population cohorts (gnomAD); Observed in an individual with breast cancer (Lovejoy et al., 2018); In silico analysis supports that this missense variant does not alter protein structure/function; Also known as 8596A>T; This variant is associated with the following publications: (PMID: 22632462, 19043619, 10923033, 12228710, 32377563, 29884841, 31853058)

Ambry Genetics
Classification: Likely benign for Hereditary cancer-predisposing syndrome. Last evaluated: 2022-01-11. Review status: criteria provided, single submitter. Criteria: Ambry Variant Classification Scheme 2023. Collection method: clinical testing. Allele origin: germline.

PreventionGenetics, part of Exact Sciences
Classification: Uncertain significance. Last evaluated: 2018-01-02. Review status: criteria provided, single submitter. Criteria: ACMG Guidelines, 2015. Collection method: clinical testing. Allele origin: germline.

Sharing Clinical Reports Project (SCRP)
Classification: Uncertain significance for Breast-ovarian cancer, familial 2. Last evaluated: 2010-07-08. Review status: no assertion criteria provided. Collection method: clinical testing. Allele origin: germline. Not counted in ClinVar's aggregate classification.

Breast Cancer Information Core (BIC) (BRCA2)
Classification: Uncertain significance for Breast-ovarian cancer, familial 2. Last evaluated: 2000-07-07. Review status: no assertion criteria provided. Collection method: clinical testing. Allele origin: germline. Affected: yes. Observed: 3 variant alleles. Not counted in ClinVar's aggregate classification.

Literature cited by the submitters: PubMed 19043619 (cited by 3 submitters); PubMed 22632462 (cited by Women's Health and Genetics/Laboratory Corporation of America, LabCorp); PubMed 31853058 (cited by 3 submitters); PubMed 39779848 (cited by Color Diagnostics, LLC DBA Color Health and Quest Diagnostics Nichols Institute San Juan Capistrano); PubMed 39779857 (cited by Color Diagnostics, LLC DBA Color Health).

NM_000059.4(BRCA2):c.8368A>T (p.Thr2790Ser)

Gene: BRCA2 (BRCA2 DNA repair associated; plus strand). Cytogenetic location: 13q13.1.
Variant type: single nucleotide variant.
Coding change: c.8368A>T on transcript NM_000059.4 (MANE Select); coding-DNA position 8368, A replaced by T.
Protein change: p.Thr2790Ser; replaces threonine 2790 with serine.
Molecular consequence: missense variant.
Genome position (GRCh38, 1-based): chr13:32,370,438, A>T. VCF-style: chr13-32370438-A-T. GRCh37 (hg19) VCF-style: chr13-32944575-A-T.
Other names: 8596A>T; short protein forms T2790S.
Identifiers: ClinVar variation 52567 (VCV000052567.35), dbSNP rs80359081, ClinGen allele CA025608.
Genomic context (GRCh38, chr13:32,370,438, plus strand): 5'-CAATATATTTATTAATTTGTCCAGATTTCTGCTAACAGTACTCGGCCTGCTCGCTGGTAT[A>T]CCAAACTTGGATTCTTTCCTGACCCTAGACCTTTTCCTCTGCCCTTATCATCGCTTTTCA-3'
Protein context (NP_000050.3, residues 2780-2800): ANSTRPARWY[Thr2790Ser]KLGFFPDPRP